The following is an entry in ClinVar:

NM_001457.4(FLNB):c.5091C>T (p.Asn1697=)

Gene: FLNB (filamin B; plus strand). Cytogenetic location: 3p14.3.
Variant type: single nucleotide variant.
Coding change: c.5091C>T on transcript NM_001457.4 (MANE Select); coding-DNA position 5091, C replaced by T.
Protein change: p.Asn1697=; no amino-acid change (asparagine 1697 retained).
Molecular consequence: synonymous variant.
Genome position (GRCh38, 1-based): chr3:58,138,511, C>T. VCF-style: chr3-58138511-C-T. GRCh37 (hg19) VCF-style: chr3-58124238-C-T.
Other names: c.5184C>T, p.Asn1728= (NM_001164317.2); c.5091C>T, p.Asn1697= (NM_001164318.2, NM_001164319.2).
Identifiers: ClinVar variation 346347 (VCV000346347.25), dbSNP rs141357606, ClinGen allele CA2468940.

ClinVar aggregate classification (germline): Benign. Review status: criteria provided, multiple submitters, no conflicts (2 of 4 stars). 5 submissions from 5 submitters: Benign (5). Last evaluated 2026-01-29.

Conditions:
FLNB-Related Spectrum Disorders.

Allele frequency attached by ClinVar (database versions not stated): ESP Exome Variant Server 0.00008; gnomAD exomes 0.00127 and 0.00608; gnomAD 0.00196 and 0.00199; 1000 Genomes Project 0.00200; 1000 Genomes Project 30x 0.00250; TOPMed 0.00255; ExAC 0.00454.
gnomAD v4.1: 2,120 of 1,614,216 alleles (0.13%); highest among the groups gnomAD compares: Admixed American, 3.3%; 49 homozygotes.

Submissions (5):

Labcorp Genetics (formerly Invitae), Labcorp
Classification: Benign. Last evaluated: 2026-01-29. Review status: criteria provided, single submitter. Criteria: Invitae Variant Classification Sherloc (09022015). Collection method: clinical testing. Allele origin: germline.

ARUP Laboratories, Molecular Genetics and Genomics, ARUP Laboratories
Classification: Benign. Last evaluated: 2024-12-20. Review status: criteria provided, single submitter. Criteria: ARUP Molecular Germline Variant Investigation Process 2024. Collection method: clinical testing. Allele origin: germline.

Illumina Laboratory Services, Illumina
Classification: Benign for FLNB-Related Spectrum Disorders. Last evaluated: 2018-01-13. Review status: criteria provided, single submitter. Criteria: ICSL Variant Classification Criteria 13 December 2019. Collection method: clinical testing. Allele origin: germline.
Comment: This variant was observed in the ICSL laboratory as part of a predisposition screen in an ostensibly healthy population. It had not been previously curated by ICSL or reported in the Human Gene Mutation Database (HGMD: prior to June 1st, 2018), and was therefore a candidate for classification through an automated scoring system. Utilizing variant allele frequency, disease prevalence and penetrance estimates, and inheritance mode, an automated score was calculated to assess if this variant is too frequent to cause the disease. Based on the score and internal cut-off values, a variant classified as benign is not then subjected to further curation. The score for this variant resulted in a classification of benign for this disease.

GeneDx
Classification: Benign. Last evaluated: 2017-04-13. Review status: criteria provided, single submitter. Criteria: GeneDx Variant Classification (06012015). Collection method: clinical testing. Allele origin: germline. Affected: yes.
Comment: This variant is considered likely benign or benign based on one or more of the following criteria: it is a conservative change, it occurs at a poorly conserved position in the protein, it is predicted to be benign by multiple in silico algorithms, and/or has population frequency not consistent with disease.

Breakthrough Genomics
Classification: Benign. Review status: criteria provided, single submitter. Criteria: ACMG Guidelines, 2015. Collection method: not provided. Allele origin: germline. Inheritance: Autosomal recessive inheritance. Affected: yes.